The following is an entry in ClinVar:

NM_199420.4(POLQ):c.5970+100_5970+101del

Gene: POLQ (DNA polymerase theta; minus strand). Cytogenetic location: 3q13.33.
Variant type: Deletion.
Coding change: c.5970+100_5970+101del on transcript NM_199420.4 (MANE Select); bases 100 to 101 of the intron after coding-DNA position 5970, 2 bases deleted (AA; older notation c.5970+100_5970+101delAA).
Molecular consequence: intron variant.
Genome position (GRCh38, 1-based): chr3:121,483,285-121,483,286, TT deleted on the plus strand (AA on the coding strand, the reverse complement: POLQ is on the minus strand); deleting any 2 consecutive bases within chr3:121,483,285-121,483,288 gives the same sequence; the c. name uses the placement nearest the transcript's 3' end. VCF-style (leftmost placement, unchanged base first): chr3-121483284-CTT-C. GRCh37 (hg19) VCF-style: chr3-121202131-CTT-C.
Identifiers: ClinVar variation 4888223 (VCV004888223.1), dbSNP rs10576436.

ClinVar aggregate classification (germline): Benign (1 of 4 stars; one submission).

Conditions:
Familial cancer of breast. Also called: BREAST CANCER, FAMILIAL; Hereditary breast cancer; hereditary breast carcinoma. Identifiers: Orphanet 227535, MedGen C0346153, MONDO:0016419, OMIM 114480. Disease mechanism: loss of function.

Submission:

Genomic Medicine Laboratory, Hospital de Clinicas de Porto Alegre
Classification: Benign for Familial cancer of breast. Last evaluated: 2026-08-07. Review status: criteria provided, single submitter. Criteria: ACGS UK Practice Guidelines For Variant Classification V12 2024. Collection method: research. Allele origin: germline. Affected: yes. Observed: 32 variant alleles.
Comment: BA1: Allele frequency is above 5%